The following is an entry in ClinVar:

NM_001002294.3(FMO3):c.245T>C (p.Met82Thr)

Gene: FMO3 (flavin containing dimethylaniline monoxygenase 3; plus strand). Cytogenetic location: 1q24.3.
Variant type: single nucleotide variant.
Coding change: c.245T>C on transcript NM_001002294.3 (MANE Select); coding-DNA position 245, T replaced by C.
Protein change: p.Met82Thr; replaces methionine 82 with threonine.
Molecular consequence: missense variant. On other transcripts: intron variant (1).
Genome position (GRCh38, 1-based): chr1:171,103,897, T>C. VCF-style: chr1-171103897-T-C. GRCh37 (hg19) VCF-style: chr1-171073038-T-C.
Other names: c.185T>C, p.Met62Thr (NM_001319173.2); c.245T>C, p.Met82Thr (NM_006894.6); c.133-3778T>C (NM_001319174.2); short protein forms M82T, M62T.
Identifiers: ClinVar variation 293687 (VCV000293687.10), dbSNP rs72549324, ClinGen allele CA1240494.
Genomic context (GRCh38, chr1:171,103,897, plus strand): 5'-CTTCCAAAGAGATGATGTGTTTCCCAGACTTCCCATTTCCCGATGACTTCCCCAACTTTA[T>C]GCACAACAGCAAGATCCAGGAATATATCATTGCATTTGCCAAAGAAAAGAACCTCCTGAA-3'
Protein context (NP_001002294.1, residues 72-92): FPFPDDFPNF[Met82Thr]HNSKIQEYII

ClinVar aggregate classification (germline): Conflicting classifications of pathogenicity. Review status: criteria provided, conflicting classifications (1 of 4 stars). 4 submissions from 4 submitters: Likely pathogenic (1); Uncertain significance (3). Last evaluated 2024-03-20.

Conditions:
Trimethylaminuria (TMAU). Also called: Fish malodor syndrome; Stale fish syndrome; TMAuria; Primary Trimethylaminuria; FISH-ODOR SYNDROME. Identifiers: MedGen C0342739, MONDO:0011182, OMIM 602079, HP:0003614. Disease mechanism: loss of function.

Allele frequency attached by ClinVar (database versions not stated): gnomAD exomes 0.00002 and 0.00011; TOPMed 0.00003; gnomAD 0.00004 and 0.00005; ExAC 0.00010; 1000 Genomes Project 30x 0.00016; 1000 Genomes Project 0.00020.

Submissions (4):

Fulgent Genetics
Classification: Likely pathogenic for Trimethylaminuria. Last evaluated: 2024-03-20. Review status: criteria provided, single submitter. Criteria: ACMG Guidelines, 2015. Collection method: clinical testing. Allele origin: germline.

Department of Pathology and Laboratory Medicine, Sinai Health System
Classification: Uncertain significance for Trimethylaminuria. Last evaluated: 2023-09-29. Review status: criteria provided, single submitter. Criteria: ACMG Guidelines, 2015. Collection method: research. Allele origin: germline.

Blueprint Genetics
Classification: Uncertain significance. Last evaluated: 2023-04-21. Review status: criteria provided, single submitter. Criteria: ACMG Guidelines, 2015. Collection method: clinical testing. Allele origin: germline.

Juno Genomics, Hangzhou Juno Genomics, Inc
Classification: Uncertain significance for Trimethylaminuria. Review status: criteria provided, single submitter. Criteria: ACMG Guidelines, 2015. Collection method: clinical testing. Allele origin: germline.
Comment: Absent from controls (or at extremely low frequency if recessive) in Genome Aggregation Database.;For recessive disorders, detected in trans with a pathogenic variant.;Well-established in vitro or in vivo functional studies supportive of a damaging effect on the gene or gene product.